The following is an entry in ClinVar:

NM_001282874.2(SMARCA1):c.428+3A>T

Gene: SMARCA1 (SNF2 related chromatin remodeling ATPase 1; minus strand). Cytogenetic location: Xq26.1.
Variant type: single nucleotide variant.
Coding change: c.428+3A>T on transcript NM_001282874.2 (MANE Select); 3 bases into the intron after coding-DNA position 428, A replaced by T.
Molecular consequence: intron variant.
Genome position (GRCh38, 1-based): chrX:129,516,328, T>A on the plus strand (A>T on the coding strand, the complement: SMARCA1 is on the minus strand). VCF-style: chrX-129516328-T-A. GRCh37 (hg19) VCF-style: chrX-128650305-T-A.
Other names: c.428+3A>T (NM_001282875.2, NM_001378264.1, NM_001378263.1 and 3 more transcripts).
Identifiers: ClinVar variation 3899547 (VCV003899547.1).

ClinVar aggregate classification (germline): Uncertain significance (1 of 4 stars; one submission).

Submission:

GeneDx
Classification: Uncertain significance. Last evaluated: 2024-09-03. Review status: criteria provided, single submitter. Criteria: GeneDx Variant Classification Process June 2021. Collection method: clinical testing. Allele origin: germline. Affected: yes.
Comment: Not observed at significant frequency in large population cohorts (gnomAD); In silico analysis supports a deleterious effect on splicing; Has not been previously published as pathogenic or benign to our knowledge; Variants in candidate genes are classified as variants of uncertain significance in accordance with ACMG guidelines (PMID: 25741868)